The following is an entry in ClinVar:

NM_000836.4(GRIN2D):c.30_38del (p.8RGP[1])

Gene: GRIN2D (glutamate ionotropic receptor NMDA type subunit 2D; plus strand). Cytogenetic location: 19q13.33.
Variant type: Deletion.
Coding change: c.30_38del on transcript NM_000836.4 (MANE Select); coding-DNA positions 30 to 38, 9 bases deleted (TCGGGGCCC; older notation c.30_38delTCGGGGCCC).
Protein change: p.8RGP[1].
Molecular consequence: inframe deletion.
Genome position (GRCh38, 1-based): chr19:48,398,422-48,398,430, TCGGGGCCC deleted; deleting any 9 consecutive bases within chr19:48,398,417-48,398,430 gives the same sequence; the c. name uses the placement nearest the transcript's 3' end. VCF-style (leftmost placement, unchanged base first): chr19-48398416-CGGCCCTCGG-C. GRCh37 (hg19) VCF-style: chr19-48901673-CGGCCCTCGG-C.
Identifiers: ClinVar variation 1412827 (VCV001412827.6), dbSNP rs1360207254, ClinGen allele CA883008995.

ClinVar aggregate classification (germline): Uncertain significance (1 of 4 stars; one submission).

Submission:

Labcorp Genetics (formerly Invitae), Labcorp
Classification: Uncertain significance. Last evaluated: 2025-03-17. Review status: criteria provided, single submitter. Criteria: Invitae Variant Classification Sherloc (09022015). Collection method: clinical testing. Allele origin: germline.
Comment: This variant, c.30_38del, results in the deletion of 3 amino acid(s) of the GRIN2D protein (p.Arg11_Pro13del), but otherwise preserves the integrity of the reading frame. The frequency data for this variant in the population databases is considered unreliable, as metrics indicate insufficient coverage at this position in the gnomAD database. This variant has been observed in individual(s) with clinical features of GRIN2D-related conditions (internal data). ClinVar contains an entry for this variant (Variation ID: 1412827). Experimental studies and prediction algorithms are not available or were not evaluated, and the functional significance of this variant is currently unknown. In summary, the available evidence is currently insufficient to determine the role of this variant in disease. Therefore, it has been classified as a Variant of Uncertain Significance.